The following is an entry in ClinVar:

NM_001199753.2(CPT1C):c.1160+3A>G

Gene: CPT1C (carnitine palmitoyltransferase 1C; plus strand). Cytogenetic location: 19q13.33.
Variant type: single nucleotide variant.
Coding change: c.1160+3A>G on transcript NM_001199753.2 (MANE Select); 3 bases into the intron after coding-DNA position 1160, A replaced by G.
Molecular consequence: intron variant.
Genome position (GRCh38, 1-based): chr19:49,706,107, A>G. VCF-style: chr19-49706107-A-G. GRCh37 (hg19) VCF-style: chr19-50209364-A-G.
Other names: c.1160+3A>G (NM_001378488.1, NM_152359.3, NM_001378484.1 and 3 more transcripts); c.1226+3A>G (NM_001378482.1); c.1127+3A>G (NM_001136052.3, NM_001378487.1, NM_001378485.1).
Identifiers: ClinVar variation 2079707 (VCV002079707.6), dbSNP rs757644561, ClinGen allele CA9582080.

ClinVar aggregate classification (germline): Uncertain significance. Review status: criteria provided, multiple submitters, no conflicts (2 of 4 stars). 2 submissions from 2 submitters: Uncertain significance (2). Last evaluated 2025-09-05.

Conditions:
Hereditary spastic paraplegia 73. Also called: Spastic paraplegia 73, autosomal dominant. Identifiers: Orphanet 444099, MedGen C5568981, MONDO:0014568, OMIM 616282.

Allele frequency attached by ClinVar (database versions not stated): gnomAD 0.00003; TOPMed 0.00001; ExAC 0.00002; gnomAD exomes 0.00006.
gnomAD v4.1: 84 of 1,612,278 alleles (0.0052%); highest among the groups gnomAD compares: Non-Finnish European, 0.007%; no homozygotes.

Submissions (2):

Women's Health and Genetics/Laboratory Corporation of America, LabCorp
Classification: Uncertain significance. Last evaluated: 2025-09-05. Review status: criteria provided, single submitter. Criteria: LabCorp Variant Classification Summary - May 2015. Collection method: clinical testing. Allele origin: germline.
Comment: Variant summary: CPT1C c.1127+3A>G alters a non-conserved nucleotide located close to a canonical splice site and therefore could affect mRNA splicing, leading to a significantly altered protein sequence. Consensus agreement among computation tools predicts no significant impact on normal splicing. However, these predictions have yet to be confirmed by functional studies. The variant allele was found at a frequency of 5.2e-05 in 1605300 control chromosomes (i.e. in 84 carriers) in the gnomAD database (v4.1 dataset). The occurrence in several carriers suggests that this variant is likely not associated with a high penetrance, severe, early onset disease phenotype in heterozygous state. To our knowledge, no occurrence of c.1127+3A>G in individuals affected with CPT1C-related conditions and no experimental evidence demonstrating its impact on protein function have been reported. ClinVar contains an entry for this variant (Variation ID: 2079707). Based on the evidence outlined above, the variant was classified as VUS-possibly benign.

Labcorp Genetics (formerly Invitae), Labcorp
Classification: Uncertain significance for Hereditary spastic paraplegia 73. Last evaluated: 2022-04-01. Review status: criteria provided, single submitter. Criteria: Invitae Variant Classification Sherloc (09022015). Collection method: clinical testing. Allele origin: germline.
Comment: This sequence change falls in intron 11 of the CPT1C gene. It does not directly change the encoded amino acid sequence of the CPT1C protein. It affects a nucleotide within the consensus splice site. This variant is present in population databases (rs757644561, gnomAD 0.003%). This variant has not been reported in the literature in individuals affected with CPT1C-related conditions. Variants that disrupt the consensus splice site are a relatively common cause of aberrant splicing (PMID: 17576681, 9536098). Algorithms developed to predict the effect of sequence changes on RNA splicing suggest that this variant is not likely to affect RNA splicing. In summary, the available evidence is currently insufficient to determine the role of this variant in disease. Therefore, it has been classified as a Variant of Uncertain Significance.

Literature cited by the submitters: PubMed 17576681 (cited by Labcorp Genetics (formerly Invitae), Labcorp); PubMed 9536098 (cited by Labcorp Genetics (formerly Invitae), Labcorp).